The following is an entry in ClinVar:

NM_000548.5(TSC2):c.2546-17_2546-16dup

Gene: TSC2 (TSC complex subunit 2; plus strand). Cytogenetic location: 16p13.3.
Variant type: Duplication.
Coding change: c.2546-17_2546-16dup on transcript NM_000548.5 (MANE Select); 17 bases into the intron before coding-DNA position 2546 through 16 bases into the intron before coding-DNA position 2546, 2 bases duplicated (CC; older notation c.2546-17_2546-16dupCC).
Molecular consequence: intron variant.
Genome position (GRCh38, 1-based): chr16:2,075,782-2,075,783, CC duplicated; duplicating any 2 consecutive bases within chr16:2,075,781-2,075,783 gives the same sequence; the c. name uses the placement nearest the transcript's 3' end. VCF-style (leftmost placement, unchanged base first): chr16-2075780-A-ACC. GRCh37 (hg19) VCF-style: chr16-2125781-A-ACC.
Other names: c.2546-17_2546-16dup (NM_001114382.3, NM_021055.3, NM_001370405.1 and 3 more transcripts); c.2435-17_2435-16dup (NM_001318827.2); c.1946-17_1946-16dup (NM_001318831.2); c.2399-17_2399-16dup (NM_001318829.2); c.2579-17_2579-16dup (NM_001318832.2).
Identifiers: ClinVar variation 1567360 (VCV001567360.10), dbSNP rs779157020, ClinGen allele CA039735.

ClinVar aggregate classification (germline): Likely benign. Review status: criteria provided, multiple submitters, no conflicts (2 of 4 stars). 3 submissions from 3 submitters: Likely benign (3). Last evaluated 2026-01-21.

Conditions:
Tuberous sclerosis 2 (TSC2). Identifiers: Orphanet 805, MedGen C1860707, MONDO:0013199, OMIM 613254.

Submissions (3):

Labcorp Genetics (formerly Invitae), Labcorp
Classification: Likely benign for Tuberous sclerosis 2. Last evaluated: 2026-01-21. Review status: criteria provided, single submitter. Criteria: Invitae Variant Classification Sherloc (09022015). Collection method: clinical testing. Allele origin: germline.

Myriad Genetics, Inc.
Classification: Likely benign for Tuberous sclerosis 2. Last evaluated: 2025-05-20. Review status: criteria provided, single submitter. Criteria: Myriad Autosomal Dominant, Autosomal Recessive and X-Linked Classification Criteria (2023). Collection method: clinical testing. Allele origin: unknown.
Comment: This variant is considered likely benign. This variant is intronic and is not expected to impact mRNA splicing.

Blueprint Genetics
Classification: Likely benign. Last evaluated: 2020-02-27. Review status: criteria provided, single submitter. Criteria: ACMG Guidelines, 2015. Collection method: clinical testing. Allele origin: germline.